The following is an entry in ClinVar:

ClinVar aggregate classification (germline): Uncertain significance (1 of 4 stars; one submission).

Submission:

Labcorp Genetics (formerly Invitae), Labcorp
Classification: Uncertain significance. Last evaluated: 2025-04-17. Review status: criteria provided, single submitter. Criteria: Invitae Variant Classification Sherloc (09022015). Collection method: clinical testing. Allele origin: germline.
Comment: This sequence change replaces threonine, which is neutral and polar, with alanine, which is neutral and non-polar, at codon 54 of the KIF11 protein (p.Thr54Ala). This variant is not present in population databases (gnomAD no frequency). This variant has not been reported in the literature in individuals affected with KIF11-related conditions. Invitae Evidence Modeling of protein sequence and biophysical properties (such as structural, functional, and spatial information, amino acid conservation, physicochemical variation, residue mobility, and thermodynamic stability) indicates that this missense variant is not expected to disrupt KIF11 protein function with a negative predictive value of 95%. In summary, the available evidence is currently insufficient to determine the role of this variant in disease. Therefore, it has been classified as a Variant of Uncertain Significance.

NM_004523.4(KIF11):c.160A>G (p.Thr54Ala)

Gene: KIF11 (kinesin family member 11; plus strand). Cytogenetic location: 10q23.33.
Variant type: single nucleotide variant.
Coding change: c.160A>G on transcript NM_004523.4 (MANE Select); coding-DNA position 160, A replaced by G.
Protein change: p.Thr54Ala; replaces threonine 54 with alanine.
Molecular consequence: missense variant.
Genome position (GRCh38, 1-based): chr10:92,606,347, A>G. VCF-style: chr10-92606347-A-G. GRCh37 (hg19) VCF-style: chr10-94366104-A-G.
Other names: short protein forms T54A.
Identifiers: ClinVar variation 4691528 (VCV004691528.1).